The following is an entry in ClinVar:

ClinVar aggregate classification (germline): Likely benign. Review status: criteria provided, multiple submitters, no conflicts (2 of 4 stars). 3 submissions from 3 submitters: Likely benign (3). Last evaluated 2026-02-13.

Conditions:
RIN2-related disorder. Also called: RIN2-related condition.

Allele frequency attached by ClinVar (database versions not stated): ExAC 0.00007; gnomAD 0.00008; ESP Exome Variant Server 0.00016; 1000 Genomes Project 0.00040; 1000 Genomes Project 30x 0.00047.
gnomAD v4.1: 39 of 1,597,668 alleles (0.0024%); highest among the groups gnomAD compares: African/African-American, 0.02%; no homozygotes.

Submissions (3):

PreventionGenetics, part of Exact Sciences
Classification: Likely benign for RIN2-related condition. Last evaluated: 2026-02-13. Review status: criteria provided, single submitter. Criteria: ACMG Guidelines, 2015. Collection method: clinical testing. Allele origin: germline.
Comment: This variant is classified as likely benign based on ACMG/AMP sequence variant interpretation guidelines (Richards et al. 2015 PMID: 25741868, with internal and published modifications).

Labcorp Genetics (formerly Invitae), Labcorp
Classification: Likely benign. Last evaluated: 2025-07-01. Review status: criteria provided, single submitter. Criteria: Invitae Variant Classification Sherloc (09022015). Collection method: clinical testing. Allele origin: germline.

Blueprint Genetics
Classification: Likely benign. Last evaluated: 2024-07-24. Review status: criteria provided, single submitter. Criteria: ACMG Guidelines, 2015. Collection method: clinical testing. Allele origin: germline.

NM_018993.4(RIN2):c.2068+9G>A

Gene: RIN2 (Ras and Rab interactor 2; plus strand). Cytogenetic location: 20p11.23.
Variant type: single nucleotide variant.
Coding change: c.2068+9G>A on transcript NM_018993.4 (MANE Select); 9 bases into the intron after coding-DNA position 2068, G replaced by A.
Molecular consequence: intron variant.
Genome position (GRCh38, 1-based): chr20:19,990,320, G>A. VCF-style: chr20-19990320-G-A. GRCh37 (hg19) VCF-style: chr20-19970964-G-A.
Other names: c.2215+9G>A (NM_001242581.1, NM_001242581.2); c.1450+9G>A (NM_001378238.1).
Identifiers: ClinVar variation 2891430 (VCV002891430.5), dbSNP rs372515582, ClinGen allele CA9780193.